The following is an entry in ClinVar:

ClinVar aggregate classification (germline): Uncertain significance (1 of 4 stars; one submission).

gnomAD v4.1: 41 of 1,609,932 alleles (0.0025%); highest among the groups gnomAD compares: African/African-American, 0.0067%; 1 homozygote.

Submission:

Labcorp Genetics (formerly Invitae), Labcorp
Classification: Uncertain significance. Last evaluated: 2025-03-24. Review status: criteria provided, single submitter. Criteria: Invitae Variant Classification Sherloc (09022015). Collection method: clinical testing. Allele origin: germline.
Comment: This sequence change replaces valine, which is neutral and non-polar, with phenylalanine, which is neutral and non-polar, at codon 1595 of the SORL1 protein (p.Val1595Phe). This variant is present in population databases (rs768102538, gnomAD 0.007%). This variant has not been reported in the literature in individuals affected with SORL1-related conditions. An algorithm developed to predict the effect of missense changes on protein structure and function (PolyPhen-2) suggests that this variant is likely to be disruptive. In summary, the available evidence is currently insufficient to determine the role of this variant in disease. Therefore, it has been classified as a Variant of Uncertain Significance.

NM_003105.6(SORL1):c.4783G>T (p.Val1595Phe)

Gene: SORL1 (sortilin related receptor 1; plus strand). Cytogenetic location: 11q24.1.
Variant type: single nucleotide variant.
Coding change: c.4783G>T on transcript NM_003105.6 (MANE Select); coding-DNA position 4783, G replaced by T.
Protein change: p.Val1595Phe; replaces valine 1595 with phenylalanine.
Molecular consequence: missense variant.
Genome position (GRCh38, 1-based): chr11:121,605,406, G>T. VCF-style: chr11-121605406-G-T. GRCh37 (hg19) VCF-style: chr11-121476115-G-T.
Other names: short protein forms V1595F.
Identifiers: ClinVar variation 4696172 (VCV004696172.1).